The following is an entry in ClinVar:

NM_173477.5(USH1G):c.146G>C (p.Arg49Pro)

Gene: USH1G (USH1 protein network component sans; minus strand). Cytogenetic location: 17q25.1.
Variant type: single nucleotide variant.
Coding change: c.146G>C on transcript NM_173477.5 (MANE Select); coding-DNA position 146, G replaced by C.
Protein change: p.Arg49Pro; replaces arginine 49 with proline.
Molecular consequence: missense variant. On other transcripts: 5 prime UTR variant (1).
Genome position (GRCh38, 1-based): chr17:74,922,928, C>G on the plus strand (G>C on the coding strand, the complement: USH1G is on the minus strand). VCF-style: chr17-74922928-C-G. GRCh37 (hg19) VCF-style: chr17-72919023-C-G.
Other names: c.-111G>C (NM_001282489.3); short protein forms R49P.
Identifiers: ClinVar variation 1483445 (VCV001483445.5), dbSNP rs917200314, ClinGen allele CA293990687.

ClinVar aggregate classification (germline): Uncertain significance (1 of 4 stars; one submission).

gnomAD v4.1: 4 of 1,547,172 alleles (0.00026%); highest among the groups gnomAD compares: African/African-American, 0.0041%; no homozygotes.

Submission:

Labcorp Genetics (formerly Invitae), Labcorp
Classification: Uncertain significance. Last evaluated: 2020-11-11. Review status: criteria provided, single submitter. Criteria: Invitae Variant Classification Sherloc (09022015). Collection method: clinical testing. Allele origin: germline.
Comment: This sequence change replaces arginine with proline at codon 49 of the USH1G protein (p.Arg49Pro). The arginine residue is highly conserved and there is a moderate physicochemical difference between arginine and proline. This variant is not present in population databases (ExAC no frequency). This variant has not been reported in the literature in individuals with USH1G-related conditions. Algorithms developed to predict the effect of missense changes on protein structure and function are either unavailable or do not agree on the potential impact of this missense change (SIFT: "Not Available"; PolyPhen-2: "Probably Damaging"; Align-GVGD: "Not Available"). In summary, the available evidence is currently insufficient to determine the role of this variant in disease. Therefore, it has been classified as a Variant of Uncertain Significance.